The following is an entry in ClinVar:

NM_001846.4(COL4A2):c.4033G>C (p.Glu1345Gln)

Genes: COL4A2 (collagen type IV alpha 2 chain; plus strand), COL4A2-AS1 (COL4A2 antisense RNA 1; minus strand). Cytogenetic location: 13q34.
Variant type: single nucleotide variant.
Coding change: c.4033G>C on transcript NM_001846.4 (MANE Select); coding-DNA position 4033, G replaced by C.
Protein change: p.Glu1345Gln; replaces glutamic acid 1345 with glutamine.
Molecular consequence: missense variant.
Genome position (GRCh38, 1-based): chr13:110,503,276, G>C. VCF-style: chr13-110503276-G-C. GRCh37 (hg19) VCF-style: chr13-111155623-G-C.
Other names: short protein forms E1345Q.
Identifiers: ClinVar variation 3389855 (VCV003389855.14).

ClinVar aggregate classification (germline): Uncertain significance (1 of 4 stars; one submission).

Submission:

CeGaT Center for Human Genetics Tuebingen
Classification: Uncertain significance. Last evaluated: 2024-10-01. Review status: criteria provided, single submitter. Criteria: CeGaT Center For Human Genetics Tuebingen Variant Classification Criteria Version 2. Collection method: clinical testing. Allele origin: germline. Affected: yes. Observed: 1 variant allele.
Comment: COL4A2: PM2